The following is an entry in ClinVar:

NM_001267550.2(TTN):c.37900C>T (p.Pro12634Ser)

Gene: TTN (titin; minus strand). Cytogenetic location: 2q31.2.
Variant type: single nucleotide variant.
Coding change: c.37900C>T on transcript NM_001267550.2 (MANE Select); coding-DNA position 37900, C replaced by T.
Protein change: p.Pro12634Ser; replaces proline 12634 with serine.
Molecular consequence: missense variant. On other transcripts: intron variant (5).
Genome position (GRCh38, 1-based): chr2:178,657,741, G>A on the plus strand (C>T on the coding strand, the complement: TTN is on the minus strand). VCF-style: chr2-178657741-G-A. GRCh37 (hg19) VCF-style: chr2-179522468-G-A.
Other names: c.13283-15424C>T (NM_003319.4); c.13859-15424C>T (NM_133437.4); c.13658-15424C>T (NM_133432.3); c.31741+1264C>T (NM_133378.4); c.34522+1264C>T (NM_001256850.1); short protein forms P12634S.
Identifiers: ClinVar variation 4977355 (VCV004977355.1).

ClinVar aggregate classification (germline): Uncertain significance (1 of 4 stars; one submission).

Conditions:
TTN-related disorder. Also called: TTN-related condition; TTN-related disease; TTN-related disorders.

Submission:

PreventionGenetics, part of Exact Sciences
Classification: Uncertain significance for TTN-related condition. Last evaluated: 2025-06-04. Review status: criteria provided, single submitter. Criteria: ACMG Guidelines, 2015. Collection method: clinical testing. Allele origin: germline.
Comment: The TTN c.37900C>T variant is predicted to result in the amino acid substitution p.Pro12634Ser. To our knowledge, this variant has not been reported in the literature or in a large population database (gnomAD), indicating this variant is rare. At this time, the clinical significance of this variant is uncertain due to the absence of conclusive functional and genetic evidence.